The following is an entry in ClinVar:

ClinVar aggregate classification (germline): Conflicting classifications of pathogenicity. Review status: criteria provided, conflicting classifications (1 of 4 stars). 3 submissions from 3 submitters: Uncertain significance (2); Likely benign (1). Last evaluated 2024-11-15.

Conditions:
Inborn genetic diseases. Identifiers: MedGen C0950123, MeSH D030342.

Allele frequency attached by ClinVar (database versions not stated): TOPMed 0.00066; ExAC 0.00067; gnomAD 0.00080; ESP Exome Variant Server 0.00092.
gnomAD v4.1: 2,017 of 1,613,184 alleles (0.13%); highest among the groups gnomAD compares: Non-Finnish European, 0.16%; 2 homozygotes.

Submissions (3):

Blueprint Genetics
Classification: Uncertain significance. Last evaluated: 2024-11-15. Review status: criteria provided, single submitter. Criteria: ACMG Guidelines, 2015. Collection method: clinical testing. Allele origin: germline.

CeGaT Center for Human Genetics Tuebingen
Classification: Likely benign. Last evaluated: 2024-05-01. Review status: criteria provided, single submitter. Criteria: CeGaT Center For Human Genetics Tuebingen Variant Classification Criteria Version 2. Collection method: clinical testing. Allele origin: germline. Affected: yes. Observed: 1 variant allele.
Comment: PIGQ: BP4

Ambry Genetics
Classification: Uncertain significance for Inborn genetic diseases. Last evaluated: 2020-11-12. Review status: criteria provided, single submitter. Criteria: Ambry Variant Classification Scheme 2023. Collection method: clinical testing. Allele origin: germline.

NM_004204.5(PIGQ):c.*117C>G

Gene: PIGQ (phosphatidylinositol glycan anchor biosynthesis class Q; plus strand). Cytogenetic location: 16p13.3.
Variant type: single nucleotide variant.
Coding change: c.*117C>G on transcript NM_004204.5 (MANE Select); 117 bases downstream of the stop codon, C replaced by G.
Molecular consequence: 3 prime UTR variant. On other transcripts: missense variant (1).
Genome position (GRCh38, 1-based): chr16:583,152, C>G. VCF-style: chr16-583152-C-G. GRCh37 (hg19) VCF-style: chr16-633152-C-G.
Other names: c.1801C>G, p.Pro601Ala (NM_148920.4); short protein forms P601A.
Identifiers: ClinVar variation 2244585 (VCV002244585.22), dbSNP rs139256741, ClinGen allele CA7780547.